The following is an entry in ClinVar:

NM_014905.5(GLS):c.1460dup (p.Ile488fs)

Gene: GLS (glutaminase; plus strand). Cytogenetic location: 2q32.2.
Variant type: Duplication.
Coding change: c.1460dup on transcript NM_014905.5 (MANE Select); coding-DNA position 1460, one base duplicated (G; older notation c.1460dupG).
Protein change: p.Ile488fs; shifts the reading frame from isoleucine 488.
Molecular consequence: frameshift variant.
Genome position (GRCh38, 1-based): chr2:190,930,471, G duplicated; the last of 5 consecutive G bases (chr2:190,930,467-190,930,471); duplicating any one gives the same sequence. VCF-style (leftmost placement, unchanged base first): chr2-190930466-T-TG. GRCh37 (hg19) VCF-style: chr2-191795192-T-TG.
Other names: c.1460dup, p.Ile488fs (NM_001256310.2); short protein forms I488fs.
Identifiers: ClinVar variation 1526059 (VCV001526059.1), dbSNP rs2124915767, ClinGen allele CA2573134262.

ClinVar aggregate classification (germline): Pathogenic (1 of 4 stars; one submission).

Conditions:
Developmental and epileptic encephalopathy, 71. Also called: EPILEPTIC ENCEPHALOPATHY, EARLY INFANTILE, 71; Neonatal epileptic encephalopathy due to glutaminase deficiency; GLUTAMINASE DEFICIENCY WITH NEONATAL EPILEPTIC ENCEPHALOPATHY. Identifiers: Orphanet 557064, MedGen C5193030, MONDO:0032678, OMIM 618328.

Submission:

3billion
Classification: Pathogenic for Developmental and epileptic encephalopathy, 71. Last evaluated: 2022-03-22. Review status: criteria provided, single submitter. Criteria: ACMG Guidelines, 2015. Collection method: clinical testing. Allele origin: germline. Affected: yes. Observed: 1 homozygote.
Comment: Frameshift: predicted to result in a loss or disruption of normal protein function through nonsense-mediated decay (NMD) or protein truncation. Multiple pathogenic variants are reported downstream of the variant.It is not observed in the gnomAD v2.1.1 dataset. Therefore, this variant is classified as pathogenic according to the recommendation of ACMG/AMP guideline.